The following is an entry in ClinVar:

NM_016277.5(RAB23):c.174_241+587delinsTTATCATTAA

Gene: RAB23 (RAB23, member RAS oncogene family; minus strand). Cytogenetic location: 6p11.2.
Variant type: Indel.
Coding change: c.174_241+587delinsTTATCATTAA on transcript NM_016277.5 (MANE Select); coding-DNA position 174 through 587 bases into the intron after coding-DNA position 241, the reference bases replaced by TTATCATTAA.
Molecular consequence: splice donor variant.
Genome position (GRCh38, 1-based): chr6:57,207,041-57,207,695, 655 bases replaced. GRCh37 (hg19): chr6:57,071,839-57,072,493.
Other names: c.174_241+587delinsTTATCATTAA (NM_001278666.2, NM_001278667.2, NM_001278668.2 and 1 more transcripts).
Identifiers: ClinVar variation 2813651 (VCV002813651.3), dbSNP rs2533214937, ClinGen allele CA2739273137.

ClinVar aggregate classification (germline): Likely pathogenic (1 of 4 stars; one submission).

Conditions:
Carpenter syndrome. Identifiers: Orphanet 65759, MedGen C1275078, MONDO:0019012.

Submission:

Labcorp Genetics (formerly Invitae), Labcorp
Classification: Likely pathogenic for Carpenter syndrome. Last evaluated: 2022-11-11. Review status: criteria provided, single submitter. Criteria: Invitae Variant Classification Sherloc (09022015). Collection method: clinical testing. Allele origin: germline.
Comment: In summary, the currently available evidence indicates that the variant is pathogenic, but additional data are needed to prove that conclusively. Therefore, this variant has been classified as Likely Pathogenic. This variant has not been reported in the literature in individuals affected with RAB23-related conditions. This variant results in the deletion of part of exon 3 (c.174_241+587delinsTTATCATTAA) of the RAB23 gene. It is expected to disrupt RNA splicing. Variants that disrupt the donor or acceptor splice site typically lead to a loss of protein function (PMID: 16199547), and loss-of-function variants in RAB23 are known to be pathogenic (PMID: 17503333, 21412941). This variant is not present in population databases (gnomAD no frequency).

Literature cited by the submitters: PubMed 16199547; PubMed 17503333; PubMed 21412941.